The following is an entry in ClinVar:

ClinVar aggregate classification (germline): Uncertain significance (1 of 4 stars; one submission).

Conditions:
Inborn genetic diseases. Identifiers: MedGen C0950123, MeSH D030342.

Allele frequency attached by ClinVar (database versions not stated): gnomAD exomes below 0.00001.
gnomAD v4.1: 2 of 1,608,386 alleles (0.00012%); highest among the groups gnomAD compares: Non-Finnish European, 0.00017%; no homozygotes.

Submission:

Ambry Genetics
Classification: Uncertain significance for Inborn genetic diseases. Last evaluated: 2024-01-29. Review status: criteria provided, single submitter. Criteria: Ambry Variant Classification Scheme 2023. Collection method: clinical testing. Allele origin: germline.
Comment: The p.Q450K variant (also known as c.1348C>A), located in coding exon 12 of the LRRK2 gene, results from a C to A substitution at nucleotide position 1348. The glutamine at codon 450 is replaced by lysine, an amino acid with similar properties. This amino acid position is conserved. In addition, this alteration is predicted to be tolerated by in silico analysis. Based on the available evidence, the clinical significance of this alteration remains unclear.

NM_198578.4(LRRK2):c.1348C>A (p.Gln450Lys)

Gene: LRRK2 (leucine rich repeat kinase 2; plus strand). Cytogenetic location: 12q12.
Variant type: single nucleotide variant.
Coding change: c.1348C>A on transcript NM_198578.4 (MANE Select); coding-DNA position 1348, C replaced by A.
Protein change: p.Gln450Lys; replaces glutamine 450 with lysine.
Molecular consequence: missense variant.
Genome position (GRCh38, 1-based): chr12:40,257,307, C>A. VCF-style: chr12-40257307-C-A. GRCh37 (hg19) VCF-style: chr12-40651109-C-A.
Other names: short protein forms Q450K.
Identifiers: ClinVar variation 3229513 (VCV003229513.1), dbSNP rs2499537824, ClinGen allele CA384410575.
Genomic context (GRCh38, chr12:40,257,307, plus strand): 5'-GTTAATTTCAGAAAAATACTGTTATCAAAAGGAATACACCTGAATGTTTTGGAGTTAATG[C>A]AGAAGCATATACATTCTCCTGAAGTGGCTGAAAGTGGCTGTAAAATGCTAAATCATCTTT-3'
Protein context (NP_940980.4, residues 440-460): GIHLNVLELM[Gln450Lys]KHIHSPEVAE